The following is an entry in ClinVar:

NM_002202.3(ISL1):c.10A>T (p.Met4Leu)

Gene: ISL1 (ISL LIM homeobox 1; plus strand). Cytogenetic location: 5q11.1.
Variant type: single nucleotide variant.
Coding change: c.10A>T on transcript NM_002202.3 (MANE Select); coding-DNA position 10, A replaced by T.
Protein change: p.Met4Leu; replaces methionine 4 with leucine.
Molecular consequence: missense variant.
Genome position (GRCh38, 1-based): chr5:51,383,681, A>T. VCF-style: chr5-51383681-A-T. GRCh37 (hg19) VCF-style: chr5-50679515-A-T.
Other names: short protein forms M4L.
Identifiers: ClinVar variation 3349397 (VCV003349397.1).

ClinVar aggregate classification (germline): Uncertain significance (0 of 4 stars; one submission).

Conditions:
ISL1-related disorder. Also called: ISL1-related condition.

gnomAD v4.1: 6 of 1,611,240 alleles (0.00037%); highest among the groups gnomAD compares: Admixed American, 0.0083%; no homozygotes.

Submission:

PreventionGenetics, part of Exact Sciences
Classification: Uncertain significance for ISL1-related condition. Last evaluated: 2024-01-29. Review status: no assertion criteria provided. Collection method: clinical testing. Allele origin: germline.
Comment: The ISL1 c.10A>T variant is predicted to result in the amino acid substitution p.Met4Leu. To our knowledge, this variant has not been reported in the literature. This variant is reported in 0.014% of alleles in individuals of Latino descent in gnomAD. At this time, the clinical significance of this variant is uncertain due to the absence of conclusive functional and genetic evidence.